The following is an entry in ClinVar:

NM_000719.7(CACNA1C):c.356G>A (p.Ser119Asn)

Gene: CACNA1C (calcium voltage-gated channel subunit alpha1 C; plus strand). Cytogenetic location: 12p13.33.
Variant type: single nucleotide variant.
Coding change: c.356G>A on transcript NM_000719.7 (MANE Select); coding-DNA position 356, G replaced by A.
Protein change: p.Ser119Asn; replaces serine 119 with asparagine.
Molecular consequence: missense variant.
Genome position (GRCh38, 1-based): chr12:2,115,530, G>A. VCF-style: chr12-2115530-G-A. GRCh37 (hg19) VCF-style: chr12-2224696-G-A.
Other names: c.356G>A, p.Ser119Asn (NM_001129827.2, NM_001129829.2, NM_001129830.3 and 19 more transcripts); c.356G>A (NM_000719.6); short protein forms S119N.
Identifiers: ClinVar variation 1519027 (VCV001519027.9), dbSNP rs1220725707, ClinGen allele CA383653463.
Genomic context (GRCh38, chr12:2,115,530, plus strand): 5'-GCCCGCCCCGAGCCCTGCTCTGCCTGACCCTGAAGAACCCCATCCGGAGGGCCTGCATCA[G>A]CATTGTCGAATGGAAATATCCTTTGTTCACCGGGCTGGGCATGCTCCTGGGACCTGCACG-3'
Protein context (NP_000710.5, residues 109-129): LKNPIRRACI[Ser119Asn]IVEWKPFEII

ClinVar aggregate classification (germline): Conflicting classifications of pathogenicity. Review status: criteria provided, conflicting classifications (1 of 4 stars). 2 submissions from 2 submitters: Uncertain significance (1); Likely benign (1). Last evaluated 2026-02-22.

Conditions:
Long QT syndrome (LQTS). Identifiers: MedGen C0023976, MeSH D008133, MONDO:0002442. Disease mechanism: loss of function. Inheritance: Various modes of inheritance.
Cardiovascular phenotype. Identifiers: MedGen CN230736.

Allele frequency attached by ClinVar (database versions not stated): gnomAD exomes below 0.00001; gnomAD 0.00001; TOPMed 0.00001.
gnomAD v4.1: 3 of 1,613,216 alleles (0.00019%); highest among the groups gnomAD compares: African/African-American, 0.004%; no homozygotes.

Submissions (2):

Ambry Genetics
Classification: Uncertain significance for Cardiovascular phenotype. Last evaluated: 2026-02-22. Review status: criteria provided, single submitter. Criteria: Ambry Variant Classification Scheme 2023. Collection method: clinical testing. Allele origin: germline.
Comment: The p.S119N variant (also known as c.356G>A), located in coding exon 2 of the CACNA1C gene, results from a G to A substitution at nucleotide position 356. The serine at codon 119 is replaced by asparagine, an amino acid with highly similar properties. This amino acid position is conserved. In addition, this alteration is predicted to be tolerated by in silico analysis. Based on the available evidence, the clinical significance of this variant remains unclear.

Labcorp Genetics (formerly Invitae), Labcorp
Classification: Likely benign for Long QT syndrome. Last evaluated: 2023-10-13. Review status: criteria provided, single submitter. Criteria: Invitae Variant Classification Sherloc (09022015). Collection method: clinical testing. Allele origin: germline.